The following is an entry in ClinVar:

ClinVar aggregate classification (germline): Uncertain significance (1 of 4 stars; one submission).

Conditions:
Familial thoracic aortic aneurysm and aortic dissection (TAAD). Also called: Thoracic aortic aneurysms and dissections. Identifiers: Orphanet 91387, MedGen C4707243, MONDO:0019625.
Marfan syndrome (MFS). Also called: MARFAN SYNDROME, TYPE I; Marfan syndrome type 1; Marfan's syndrome; Marfan syndrome, classic; FBN1-Related Marfan Syndrome. Identifiers: Orphanet 284963, Orphanet 558, MedGen C0024796, MONDO:0007947, OMIM 154700.

Submission:

Labcorp Genetics (formerly Invitae), Labcorp
Classification: Uncertain significance for Marfan syndrome; Familial thoracic aortic aneurysm and aortic dissection. Last evaluated: 2023-10-03. Review status: criteria provided, single submitter. Criteria: Invitae Variant Classification Sherloc (09022015). Collection method: clinical testing. Allele origin: germline.
Comment: This sequence change replaces lysine, which is basic and polar, with arginine, which is basic and polar, at codon 1096 of the FBN1 protein (p.Lys1096Arg). This variant is not present in population databases (gnomAD no frequency). This variant has not been reported in the literature in individuals affected with FBN1-related conditions. ClinVar contains an entry for this variant (Variation ID: 2001686). Advanced modeling of protein sequence and biophysical properties (such as structural, functional, and spatial information, amino acid conservation, physicochemical variation, residue mobility, and thermodynamic stability) performed at Invitae indicates that this missense variant is not expected to disrupt FBN1 protein function. In summary, the available evidence is currently insufficient to determine the role of this variant in disease. Therefore, it has been classified as a Variant of Uncertain Significance.

NM_000138.5(FBN1):c.3287A>G (p.Lys1096Arg)

Gene: FBN1 (fibrillin 1; minus strand). Cytogenetic location: 15q21.1.
Variant type: single nucleotide variant.
Coding change: c.3287A>G on transcript NM_000138.5 (MANE Select); coding-DNA position 3287, A replaced by G.
Protein change: p.Lys1096Arg; replaces lysine 1096 with arginine.
Molecular consequence: missense variant.
Genome position (GRCh38, 1-based): chr15:48,488,163, T>C on the plus strand (A>G on the coding strand, the complement: FBN1 is on the minus strand). VCF-style: chr15-48488163-T-C. GRCh37 (hg19) VCF-style: chr15-48780360-T-C.
Other names: c.3287A>G, p.Lys1096Arg (NM_001406716.1); short protein forms K1096R.
Identifiers: ClinVar variation 2001686 (VCV002001686.4), dbSNP rs868304627, ClinGen allele CA269532032.
Genomic context (GRCh38, chr15:48,488,163, plus strand): 5'-CCAAACTTACCCATGCAGTTCTTCATCATCATGAATCCACTTTCATAGCCTTCGTCACAC[T>C]TGCATTCAAAGTCCCCAGGGGTGTTCACACACTGGCCTCTGCCACAGAGGTCAGGAGATA-3'
Protein context (NP_000129.3, residues 1086-1106): CVNTPGDFEC[Lys1096Arg]CDEGYESGFM